The following is an entry in ClinVar:

NM_000255.4(MMUT):c.-35G>T

Gene: MMUT (methylmalonyl-CoA mutase; minus strand). Cytogenetic location: 6p12.3.
Variant type: single nucleotide variant.
Coding change: c.-35G>T on transcript NM_000255.4 (MANE Select); 35 bases upstream of the start codon, G replaced by T.
Molecular consequence: 5 prime UTR variant.
Genome position (GRCh38, 1-based): chr6:49,459,501, C>A on the plus strand (G>T on the coding strand, the complement: MMUT is on the minus strand). VCF-style: chr6-49459501-C-A. GRCh37 (hg19) VCF-style: chr6-49427214-C-A.
Other names: KC594083.1.
Identifiers: ClinVar variation 100697 (VCV000100697.3), dbSNP rs483352795, ClinGen allele CA235510.

ClinVar aggregate classification (germline): Uncertain significance. Review status: criteria provided, single submitter (1 of 4 stars). 3 submissions from 3 submitters: Uncertain significance (1). 2 of the submissions do not count toward it. Last evaluated 2021-10-19.

Conditions:
Methylmalonic aciduria due to methylmalonyl-CoA mutase deficiency (MAMM). Also called: Methylmalonic aciduria, mut type. Identifiers: Orphanet 27, MedGen C1855114, MONDO:0009612, OMIM 251000.

gnomAD v4.1: 2 of 1,601,326 alleles (0.00012%); highest among the groups gnomAD compares: Non-Finnish European, 0.000085%; no homozygotes.

Submissions (3):

Fulgent Genetics
Classification: Uncertain significance for Methylmalonic aciduria due to methylmalonyl-CoA mutase deficiency. Last evaluated: 2021-10-19. Review status: criteria provided, single submitter. Criteria: ACMG Guidelines, 2015. Collection method: clinical testing. Allele origin: unknown.

Counsyl
Classification: Uncertain significance for Methylmalonic aciduria due to methylmalonyl-CoA mutase deficiency. Last evaluated: 2017-07-28. Review status: no assertion criteria provided. Collection method: clinical testing. Allele origin: unknown. Not counted in ClinVar's aggregate classification.

Medical Genetics Unit, Ain Shams University Pediatrics Hospital
No classification provided. Review status: no classification provided. Collection method: not provided. Allele origin: not provided. Not counted in ClinVar's aggregate classification.
Comment: Methylmalonic aciduria

Literature cited by the submitters: PubMed 25750861 (cited by Counsyl).